The following is an entry in ClinVar:

NM_001374828.1(ARID1B):c.612delinsGCAG (p.Gln214_His215insGln)

Genes: ARID1B (AT-rich interaction domain 1B; plus strand), LOC115308161 (uncharacterized LOC115308161; minus strand). Cytogenetic location: 6q25.3.
Variant type: Indel.
Coding change: c.612delinsGCAG on transcript NM_001374828.1 (MANE Select); coding-DNA position 612, A replaced by GCAG.
Protein change: p.Gln214_His215insGln.
Molecular consequence: inframe insertion. On other transcripts: non-coding transcript variant (1).
Genome position (GRCh38, 1-based): chr6:156,778,292, A replaced by GCAG. VCF-style: chr6-156778292-A-GCAG. GRCh37 (hg19) VCF-style: chr6-157099426-A-GCAG.
Other names: c.363delinsGCAG (NM_020732.3); c.612delinsGCAG, p.Gln214_His215insGln (NM_001371656.1, NM_001374820.1, NM_017519.3).
Identifiers: ClinVar variation 3344815 (VCV003344815.1).
Genomic context (GRCh38, chr6:156,778,292, plus strand): 5'-CCACCACCACGCACTACAGCAGCAGCTAAACCAGTTCCAGCAGCAGCAGCAGCAGCAGCA[A>GCAG]CAGCAGCAGCAGCAGCAGCAGCAACAGCAACATCCCATTTCCAACAACAACAGCTTGGGC-3'

ClinVar aggregate classification (germline): Uncertain significance (0 of 4 stars; one submission).

Conditions:
ARID1B-Related Disorder. Identifiers: MedGen CN381337.

Submission:

PreventionGenetics, part of Exact Sciences
Classification: Uncertain significance for ARID1B-related condition. Last evaluated: 2024-09-04. Review status: no assertion criteria provided. Collection method: clinical testing. Allele origin: germline.
Comment: The ARID1B c.363delinsGCAG variant is predicted to result in an in-frame deletion and insertion. To our knowledge, this variant has not been reported in the literature or in a large population database, indicating this variant is rare. However, this variant occurs in a low-complexity region where different in-frame insertion-deletion variants are common in the general population. At this time, the clinical significance of this variant is uncertain due to the absence of conclusive functional and genetic evidence.